The following is an entry in ClinVar:

ClinVar aggregate classification (germline): Uncertain significance. Review status: criteria provided, multiple submitters, no conflicts (2 of 4 stars). 2 submissions from 2 submitters: Uncertain significance (2). Last evaluated 2022-04-28.

Allele frequency attached by ClinVar (database versions not stated): gnomAD exomes below 0.00001; TOPMed 0.00002.
gnomAD v4.1: 1 of 1,613,898 alleles (0.000062%); highest among the groups gnomAD compares: Admixed American, 0.0017%; no homozygotes.

Submissions (2):

Labcorp Genetics (formerly Invitae), Labcorp
Classification: Uncertain significance. Last evaluated: 2022-04-28. Review status: criteria provided, single submitter. Criteria: Invitae Variant Classification Sherloc (09022015). Collection method: clinical testing. Allele origin: germline.
Comment: This sequence change replaces valine, which is neutral and non-polar, with alanine, which is neutral and non-polar, at codon 1075 of the DCHS1 protein (p.Val1075Ala). This variant is present in population databases (no rsID available, gnomAD 0.003%). This variant has not been reported in the literature in individuals affected with DCHS1-related conditions. Advanced modeling of protein sequence and biophysical properties (such as structural, functional, and spatial information, amino acid conservation, physicochemical variation, residue mobility, and thermodynamic stability) performed at Invitae indicates that this missense variant is not expected to disrupt DCHS1 protein function. In summary, the available evidence is currently insufficient to determine the role of this variant in disease. Therefore, it has been classified as a Variant of Uncertain Significance.

GeneDx
Classification: Uncertain significance. Last evaluated: 2022-04-25. Review status: criteria provided, single submitter. Criteria: GeneDx Variant Classification Process June 2021. Collection method: clinical testing. Allele origin: germline. Affected: yes.
Comment: Not observed at significant frequency in large population cohorts (gnomAD); In silico analysis supports that this missense variant does not alter protein structure/function; Has not been previously published as pathogenic or benign to our knowledge

NM_003737.4(DCHS1):c.3224T>C (p.Val1075Ala)

Gene: DCHS1 (dachsous cadherin-related 1; minus strand). Cytogenetic location: 11p15.4.
Variant type: single nucleotide variant.
Coding change: c.3224T>C on transcript NM_003737.4 (MANE Select); coding-DNA position 3224, T replaced by C.
Protein change: p.Val1075Ala; replaces valine 1075 with alanine.
Molecular consequence: missense variant.
Genome position (GRCh38, 1-based): chr11:6,632,288, A>G on the plus strand (T>C on the coding strand, the complement: DCHS1 is on the minus strand). VCF-style: chr11-6632288-A-G. GRCh37 (hg19) VCF-style: chr11-6653519-A-G.
Other names: short protein forms V1075A.
Identifiers: ClinVar variation 1712875 (VCV001712875.7), dbSNP rs940621456, ClinGen allele CA217299291.